The following is an entry in ClinVar:

NM_021098.3(CACNA1H):c.6868C>G (p.Pro2290Ala)

Gene: CACNA1H (calcium voltage-gated channel subunit alpha1 H; plus strand). Cytogenetic location: 16p13.3.
Variant type: single nucleotide variant.
Coding change: c.6868C>G on transcript NM_021098.3 (MANE Select); coding-DNA position 6868, C replaced by G.
Protein change: p.Pro2290Ala; replaces proline 2290 with alanine.
Molecular consequence: missense variant.
Genome position (GRCh38, 1-based): chr16:1,220,800, C>G. VCF-style: chr16-1220800-C-G. GRCh37 (hg19) VCF-style: chr16-1270800-C-G.
Other names: c.6850C>G, p.Pro2284Ala (NM_001005407.2); short protein forms P2284A, P2290A.
Identifiers: ClinVar variation 1501184 (VCV001501184.8), dbSNP rs1970426309, ClinGen allele CA394151057.

ClinVar aggregate classification (germline): Uncertain significance (1 of 4 stars; one submission).

Conditions:
Hyperaldosteronism, familial, type IV (HALD4). Also called: FH IV; ALDOSTERONISM, PRIMARY, AND HYPERTENSION. Identifiers: Orphanet 642671, MedGen C4310756, MONDO:0014875, OMIM 617027.
Idiopathic generalized epilepsy. Also called: Generalised epilepsy; EIG. Identifiers: MedGen C0270850, MONDO:0005579, OMIM 600669.

Allele frequency attached by ClinVar (database versions not stated): gnomAD exomes below 0.00001; TOPMed below 0.00001; gnomAD 0.00001.
gnomAD v4.1: 5 of 1,612,648 alleles (0.00031%); highest among the groups gnomAD compares: African/African-American, 0.0027%; no homozygotes.

Submission:

Labcorp Genetics (formerly Invitae), Labcorp
Classification: Uncertain significance for Idiopathic generalized epilepsy; Hyperaldosteronism, familial, type IV. Last evaluated: 2024-03-11. Review status: criteria provided, single submitter. Criteria: Invitae Variant Classification Sherloc (09022015). Collection method: clinical testing. Allele origin: germline.
Comment: This sequence change replaces proline, which is neutral and non-polar, with alanine, which is neutral and non-polar, at codon 2290 of the CACNA1H protein (p.Pro2290Ala). This variant is not present in population databases (gnomAD no frequency). This variant has not been reported in the literature in individuals affected with CACNA1H-related conditions. ClinVar contains an entry for this variant (Variation ID: 1501184). Advanced modeling of protein sequence and biophysical properties (such as structural, functional, and spatial information, amino acid conservation, physicochemical variation, residue mobility, and thermodynamic stability) performed at Invitae indicates that this missense variant is not expected to disrupt CACNA1H protein function with a negative predictive value of 95%. In summary, the available evidence is currently insufficient to determine the role of this variant in disease. Therefore, it has been classified as a Variant of Uncertain Significance.